The following is an entry in ClinVar:

ClinVar aggregate classification (germline): Uncertain significance (1 of 4 stars; one submission).

Allele frequency attached by ClinVar (database versions not stated): gnomAD exomes below 0.00001; gnomAD 0.00001.
gnomAD v4.1: 3 of 1,304,126 alleles (0.00023%); highest among the groups gnomAD compares: African/African-American, 0.0046%; no homozygotes.

Submission:

Labcorp Genetics (formerly Invitae), Labcorp
Classification: Uncertain significance. Last evaluated: 2021-03-07. Review status: criteria provided, single submitter. Criteria: Invitae Variant Classification Sherloc (09022015). Collection method: clinical testing. Allele origin: germline.
Comment: Algorithms developed to predict the effect of missense changes on protein structure and function are either unavailable or do not agree on the potential impact of this missense change (SIFT: "Tolerated"; PolyPhen-2: "Not Available"; Align-GVGD: "Class C0"). In summary, the available evidence is currently insufficient to determine the role of this variant in disease. Therefore, it has been classified as a Variant of Uncertain Significance. This variant has not been reported in the literature in individuals with ERCC6L2-related conditions. This sequence change replaces aspartic acid with glutamic acid at codon 828 of the ERCC6L2 protein (p.Asp828Glu). The aspartic acid residue is weakly conserved and there is a small physicochemical difference between aspartic acid and glutamic acid. The frequency data for this variant in the population databases is considered unreliable, as metrics indicate insufficient coverage at this position in the ExAC database.

NM_020207.7(ERCC6L2):c.2451T>G (p.Asp817Glu)

Gene: ERCC6L2 (ERCC excision repair 6 like 2; plus strand). Cytogenetic location: 9q22.32.
Variant type: single nucleotide variant.
Coding change: c.2451T>G on transcript NM_020207.7 (MANE Select); coding-DNA position 2451, T replaced by G.
Protein change: p.Asp817Glu; replaces aspartic acid 817 with glutamic acid.
Molecular consequence: missense variant. On other transcripts: non-coding transcript variant (1).
Genome position (GRCh38, 1-based): chr9:95,972,202, T>G. VCF-style: chr9-95972202-T-G. GRCh37 (hg19) VCF-style: chr9-98734484-T-G.
Other names: c.2451T>G, p.Asp817Glu (NM_001375291.1, NM_001375292.1, NM_001375293.1 and 1 more transcripts); short protein forms D817E.
Identifiers: ClinVar variation 1514756 (VCV001514756.8), dbSNP rs1263806822, ClinGen allele CA589285322.